The following is an entry in ClinVar:

ClinVar aggregate classification (germline): Likely benign. Review status: criteria provided, multiple submitters, no conflicts (2 of 4 stars). 2 submissions from 2 submitters: Likely benign (2). Last evaluated 2018-06-19.

Allele frequency attached by ClinVar (database versions not stated): 1000 Genomes Project 30x 0.00437; 1000 Genomes Project 0.00539; TOPMed 0.00604; ESP Exome Variant Server 0.00637; gnomAD 0.00999 and 0.01035; gnomAD exomes 0.01012 and 0.01115; ExAC 0.01272.
gnomAD v4.1: 15,727 of 1,568,478 alleles (1%); highest among the groups gnomAD compares: Non-Finnish European, 1%; 150 homozygotes.

Submissions (2):

GeneDx
Classification: Likely benign. Last evaluated: 2018-06-19. Review status: criteria provided, single submitter. Criteria: GeneDx Variant Classification (06012015). Collection method: clinical testing. Allele origin: germline. Affected: yes.
Comment: This variant is considered likely benign or benign based on one or more of the following criteria: it is a conservative change, it occurs at a poorly conserved position in the protein, it is predicted to be benign by multiple in silico algorithms, and/or has population frequency not consistent with disease.

Breakthrough Genomics
Classification: Likely benign. Review status: criteria provided, single submitter. Criteria: ACMG Guidelines, 2015. Collection method: not provided. Allele origin: germline. Inheritance: Autosomal dominant inheritance. Affected: yes.

NM_022114.4(PRDM16):c.2861+37C>T

Gene: PRDM16 (PR/SET domain 16; plus strand). Cytogenetic location: 1p36.32.
Variant type: single nucleotide variant.
Coding change: c.2861+37C>T on transcript NM_022114.4 (MANE Select); 37 bases into the intron after coding-DNA position 2861, C replaced by T.
Molecular consequence: intron variant.
Genome position (GRCh38, 1-based): chr1:3,418,034, C>T. VCF-style: chr1-3418034-C-T. GRCh37 (hg19) VCF-style: chr1-3334598-C-T.
Other names: c.2861+37C>T (NM_199454.3).
Identifiers: ClinVar variation 675428 (VCV000675428.2), dbSNP rs188132529, ClinGen allele CA544634.